The following is an entry in ClinVar:

NM_001437.3(ESR2):c.486A>G (p.Gly162=)

Gene: ESR2 (estrogen receptor 2; minus strand). Cytogenetic location: 14q23.2.
Variant type: single nucleotide variant.
Coding change: c.486A>G on transcript NM_001437.3 (MANE Select); coding-DNA position 486, A replaced by G.
Protein change: p.Gly162=; no amino-acid change (glycine 162 retained).
Molecular consequence: synonymous variant. On other transcripts: non-coding transcript variant (1).
Genome position (GRCh38, 1-based): chr14:64,280,030, T>C on the plus strand (A>G on the coding strand, the complement: ESR2 is on the minus strand). VCF-style: chr14-64280030-T-C. GRCh37 (hg19) VCF-style: chr14-64746748-T-C.
Other names: c.486A>G, p.Gly162= (NM_001040275.1, NM_001214902.1, NM_001271876.1 and 3 more transcripts).
Identifiers: ClinVar variation 2876132 (VCV002876132.3), dbSNP rs748510590, ClinGen allele CA7225576.
Genomic context (GRCh38, chr14:64,280,030, plus strand): 5'-TTCTCTTGTACCTTGAATGCTTCTTTTAAAAAAGGCCTTACATCCTTCACACGACCAGAC[T>C]CCATAGTGATATCCCGATGCGTAATCGCTGCAGACAGCGCAGAAGTGAGCATCCCTCTTT-3'
Protein context (NP_001428.1, residues 152-172): CSDYASGYHY[Gly162=]VWSCEGCKAF

ClinVar aggregate classification (germline): Uncertain significance (1 of 4 stars; one submission).

Allele frequency attached by ClinVar (database versions not stated): gnomAD exomes below 0.00001; TOPMed below 0.00001; ExAC 0.00001; gnomAD 0.00001.
gnomAD v4.1: 6 of 1,614,030 alleles (0.00037%); highest among the groups gnomAD compares: Non-Finnish European, 0.00042%; no homozygotes.

Submission:

Labcorp Genetics (formerly Invitae), Labcorp
Classification: Uncertain significance. Last evaluated: 2023-05-11. Review status: criteria provided, single submitter. Criteria: Invitae Variant Classification Sherloc (09022015). Collection method: clinical testing. Allele origin: germline.
Comment: In summary, the available evidence is currently insufficient to determine the role of this variant in disease. Therefore, it has been classified as a Variant of Uncertain Significance. Algorithms developed to predict the effect of sequence changes on RNA splicing suggest that this variant may disrupt the consensus splice site. This variant has not been reported in the literature in individuals affected with ESR2-related conditions. This variant is present in population databases (rs748510590, gnomAD 0.0009%). This sequence change affects codon 162 of the ESR2 mRNA. It is a 'silent' change, meaning that it does not change the encoded amino acid sequence of the ESR2 protein.